The following is an entry in ClinVar:

NM_004252.5(NHERF1):c.417G>T (p.Glu139Asp)

Genes: NHERF1 (NHERF family PDZ scaffold protein 1; plus strand), SLC9A3R1-AS1 (SLC9A3R1 antisense RNA 1; minus strand). Cytogenetic location: 17q25.1.
Variant type: single nucleotide variant.
Coding change: c.417G>T on transcript NM_004252.5 (MANE Select); coding-DNA position 417, G replaced by T.
Protein change: p.Glu139Asp; replaces glutamic acid 139 with aspartic acid.
Molecular consequence: missense variant. On other transcripts: non-coding transcript variant (1).
Genome position (GRCh38, 1-based): chr17:74,749,263, G>T. VCF-style: chr17-74749263-G-T. GRCh37 (hg19) VCF-style: chr17-72745402-G-T.
Other names: short protein forms E139D.
Identifiers: ClinVar variation 3618097 (VCV003618097.2).

ClinVar aggregate classification (germline): Uncertain significance (1 of 4 stars; one submission).

gnomAD v4.1: 1 of 1,529,540 alleles (0.000065%); highest among the groups gnomAD compares: Admixed American, 0.002%; no homozygotes.

Submission:

Labcorp Genetics (formerly Invitae), Labcorp
Classification: Uncertain significance. Last evaluated: 2024-11-22. Review status: criteria provided, single submitter. Criteria: Invitae Variant Classification Sherloc (09022015). Collection method: clinical testing. Allele origin: germline.
Comment: This sequence change replaces glutamic acid, which is acidic and polar, with aspartic acid, which is acidic and polar, at codon 139 of the SLC9A3R1 protein (p.Glu139Asp). The frequency data for this variant in the population databases is considered unreliable, as metrics indicate poor data quality at this position in the gnomAD database. This variant has not been reported in the literature in individuals affected with SLC9A3R1-related conditions. An algorithm developed to predict the effect of missense changes on protein structure and function (PolyPhen-2) suggests that this variant is likely to be tolerated. In summary, the available evidence is currently insufficient to determine the role of this variant in disease. Therefore, it has been classified as a Variant of Uncertain Significance.